The following is an entry in ClinVar:

ClinVar aggregate classification (germline): Conflicting classifications of pathogenicity. Review status: criteria provided, conflicting classifications (1 of 4 stars). 3 submissions from 3 submitters: Likely pathogenic (1); Uncertain significance (2). Last evaluated 2025-03-31.

Conditions:
Nephronophthisis. Also called: Juvenile Nephronophthisis. Identifiers: Orphanet 655, MedGen C0687120, MONDO:0019005, HP:0000090.
IQCB1-related disorder. Also called: IQCB1-related condition.
Senior-Loken syndrome 5 (SLSN5). Identifiers: Orphanet 3156, MedGen C1836517, MONDO:0012225, OMIM 609254.

Allele frequency attached by ClinVar (database versions not stated): gnomAD exomes below 0.00001.
gnomAD v4.1: 2 of 1,576,036 alleles (0.00013%); highest among the groups gnomAD compares: Non-Finnish European, 0.00017%; no homozygotes.

Submissions (4):

Labcorp Genetics (formerly Invitae), Labcorp
Classification: Uncertain significance for Nephronophthisis. Last evaluated: 2025-03-31. Review status: criteria provided, single submitter. Criteria: Invitae Variant Classification Sherloc (09022015). Collection method: clinical testing. Allele origin: germline.
Comment: This sequence change replaces valine, which is neutral and non-polar, with isoleucine, which is neutral and non-polar, at codon 163 of the IQCB1 protein (p.Val163Ile). This variant also falls at the last nucleotide of exon 6, which is part of the consensus splice site for this exon. This variant is present in population databases (no rsID available, gnomAD 0.002%). This missense change has been observed in individual(s) with clinical features of IQCB1-related conditions (internal data). ClinVar contains an entry for this variant (Variation ID: 1952016). An algorithm developed to predict the effect of missense changes on protein structure and function (PolyPhen-2) suggests that this variant is likely to be disruptive. Variants that disrupt the consensus splice site are a relatively common cause of aberrant splicing (PMID: 17576681, 9536098). Algorithms developed to predict the effect of sequence changes on RNA splicing suggest that this variant may disrupt the consensus splice site. In summary, the available evidence is currently insufficient to determine the role of this variant in disease. Therefore, it has been classified as a Variant of Uncertain Significance.

Blueprint Genetics
Classification: Likely pathogenic for IQCB1-related disorders. Last evaluated: 2024-02-19. Review status: criteria provided, single submitter. Criteria: ACMG Guidelines, 2015. Collection method: clinical testing. Allele origin: germline. Affected: yes. Observed: 5 variant alleles.

Fulgent Genetics
Classification: Uncertain significance for Senior-Loken syndrome 5. Last evaluated: 2024-01-16. Review status: criteria provided, single submitter. Criteria: ACMG Guidelines, 2015. Collection method: clinical testing. Allele origin: germline.

Dr. Peter K. Rogan Lab, Western University
No classification provided (evidence only). Condition: Malignant tumor of urinary bladder. Review status: no classification provided. Collection method: in vitro. Allele origin: not applicable. Functional consequence: skipped exon, retained intron. Not counted in ClinVar's aggregate classification.

Literature cited by the submitters: PubMed 17576681 (cited by Labcorp Genetics (formerly Invitae), Labcorp); PubMed 9536098 (cited by Labcorp Genetics (formerly Invitae), Labcorp).

NM_001023570.4(IQCB1):c.487G>A (p.Val163Ile)

Gene: IQCB1 (IQ motif containing B1; minus strand). Cytogenetic location: 3q13.33.
Variant type: single nucleotide variant.
Coding change: c.487G>A on transcript NM_001023570.4 (MANE Select); coding-DNA position 487, G replaced by A.
Protein change: p.Val163Ile; replaces valine 163 with isoleucine.
Molecular consequence: missense variant. On other transcripts: non-coding transcript variant (1).
Genome position (GRCh38, 1-based): chr3:121,808,916, C>T on the plus strand (G>A on the coding strand, the complement: IQCB1 is on the minus strand). VCF-style: chr3-121808916-C-T. GRCh37 (hg19) VCF-style: chr3-121527763-C-T.
Other names: c.487G>A, p.Val163Ile (NM_001023571.4, NM_001319107.2); short protein forms V163I.
Identifiers: ClinVar variation 1952016 (VCV001952016.6), dbSNP rs1345829649, ClinGen allele CA354106080.